The following is an entry in ClinVar:

NM_004963.4(GUCY2C):c.1313C>G (p.Thr438Ser)

Gene: GUCY2C (guanylate cyclase 2C; minus strand). Cytogenetic location: 12p12.3.
Variant type: single nucleotide variant.
Coding change: c.1313C>G on transcript NM_004963.4 (MANE Select); coding-DNA position 1313, C replaced by G.
Protein change: p.Thr438Ser; replaces threonine 438 with serine.
Molecular consequence: missense variant.
Genome position (GRCh38, 1-based): chr12:14,661,032, G>C on the plus strand (C>G on the coding strand, the complement: GUCY2C is on the minus strand). VCF-style: chr12-14661032-G-C. GRCh37 (hg19) VCF-style: chr12-14813966-G-C.
Other names: c.1313C>G (NM_004963.3); short protein forms T438S.
Identifiers: ClinVar variation 1037522 (VCV001037522.10), dbSNP rs977765191, ClinGen allele CA233212037.

ClinVar aggregate classification (germline): Uncertain significance. Review status: criteria provided, multiple submitters, no conflicts (2 of 4 stars). 3 submissions from 3 submitters: Uncertain significance (3). Last evaluated 2025-06-07.

Conditions:
GUCY2C-related disorder. Also called: GUCY2C-related condition.
Inborn genetic diseases. Identifiers: MedGen C0950123, MeSH D030342.

Allele frequency attached by ClinVar (database versions not stated): gnomAD exomes below 0.00001.

Submissions (3):

Ambry Genetics
Classification: Uncertain significance for Inborn genetic diseases. Last evaluated: 2025-06-07. Review status: criteria provided, single submitter. Criteria: Ambry Variant Classification Scheme 2023. Collection method: clinical testing. Allele origin: germline.

PreventionGenetics, part of Exact Sciences
Classification: Uncertain significance for GUCY2C-related condition. Last evaluated: 2025-04-08. Review status: criteria provided, single submitter. Criteria: ACMG Guidelines, 2015. Collection method: clinical testing. Allele origin: germline.
Comment: The GUCY2C c.1313C>G variant is predicted to result in the amino acid substitution p.Thr438Ser. To our knowledge, this variant has not been reported in the literature. This variant is reported in 0.00088% of alleles in individuals of European (Non-Finnish) descent in gnomAD. At this time, the clinical significance of this variant is uncertain due to the absence of conclusive functional and genetic evidence.

Labcorp Genetics (formerly Invitae), Labcorp
Classification: Uncertain significance. Last evaluated: 2023-07-07. Review status: criteria provided, single submitter. Criteria: Invitae Variant Classification Sherloc (09022015). Collection method: clinical testing. Allele origin: germline.
Comment: Advanced modeling of protein sequence and biophysical properties (such as structural, functional, and spatial information, amino acid conservation, physicochemical variation, residue mobility, and thermodynamic stability) performed at Invitae indicates that this missense variant is not expected to disrupt GUCY2C protein function. In summary, the available evidence is currently insufficient to determine the role of this variant in disease. Therefore, it has been classified as a Variant of Uncertain Significance. ClinVar contains an entry for this variant (Variation ID: 1037522). This sequence change replaces threonine, which is neutral and polar, with serine, which is neutral and polar, at codon 438 of the GUCY2C protein (p.Thr438Ser). This variant is present in population databases (no rsID available, gnomAD 0.0009%). This variant has not been reported in the literature in individuals affected with GUCY2C-related conditions.